The following is an entry in ClinVar:

NM_002292.4(LAMB2):c.4498G>C (p.Ala1500Pro)

Gene: LAMB2 (laminin subunit beta 2; minus strand). Cytogenetic location: 3p21.31.
Variant type: single nucleotide variant.
Coding change: c.4498G>C on transcript NM_002292.4 (MANE Select); coding-DNA position 4498, G replaced by C.
Protein change: p.Ala1500Pro; replaces alanine 1500 with proline.
Molecular consequence: missense variant.
Genome position (GRCh38, 1-based): chr3:49,122,779, C>G on the plus strand (G>C on the coding strand, the complement: LAMB2 is on the minus strand). VCF-style: chr3-49122779-C-G. GRCh37 (hg19) VCF-style: chr3-49160212-C-G.
Other names: c.4498G>C (NM_002292.3); short protein forms A1500P.
Identifiers: ClinVar variation 1386685 (VCV001386685.9), dbSNP rs1029156575, ClinGen allele CA352692239.

ClinVar aggregate classification (germline): Uncertain significance. Review status: criteria provided, multiple submitters, no conflicts (2 of 4 stars). 2 submissions from 2 submitters: Uncertain significance (2). Last evaluated 2024-10-21.

Conditions:
LAMB2-related infantile-onset nephrotic syndrome. Also called: Nephrotic Syndrome, type 5; NEPHROTIC SYNDROME, TYPE 5, WITHOUT OCULAR ABNORMALITIES; NEPHROTIC SYNDROME, TYPE 5, WITH OCULAR ABNORMALITIES. Identifiers: Orphanet 306507, MedGen C3280113, MONDO:0013621, OMIM 614199.
Pierson syndrome. Also called: MICROCORIA-CONGENITAL NEPHROTIC SYNDROME. Identifiers: Orphanet 2670, MedGen C1836876, MONDO:0012184, OMIM 609049.

Allele frequency attached by ClinVar (database versions not stated): TOPMed below 0.00001.
gnomAD v4.1: 1 of 1,614,108 alleles (0.000062%); highest among the groups gnomAD compares: Middle Eastern, 0.016%; no homozygotes.

Submissions (2):

GeneDx
Classification: Uncertain significance. Last evaluated: 2024-10-21. Review status: criteria provided, single submitter. Criteria: GeneDx Variant Classification Process June 2021. Collection method: clinical testing. Allele origin: germline. Affected: yes.
Comment: Not observed at significant frequency in large population cohorts (gnomAD); In silico analysis indicates that this missense variant does not alter protein structure/function; Has not been previously published as pathogenic or benign to our knowledge

Labcorp Genetics (formerly Invitae), Labcorp
Classification: Uncertain significance for LAMB2-related infantile-onset nephrotic syndrome; Pierson syndrome. Last evaluated: 2024-04-05. Review status: criteria provided, single submitter. Criteria: Invitae Variant Classification Sherloc (09022015). Collection method: clinical testing. Allele origin: germline.
Comment: This sequence change replaces alanine, which is neutral and non-polar, with proline, which is neutral and non-polar, at codon 1500 of the LAMB2 protein (p.Ala1500Pro). This variant is not present in population databases (gnomAD no frequency). This variant has not been reported in the literature in individuals affected with LAMB2-related conditions. ClinVar contains an entry for this variant (Variation ID: 1386685). An algorithm developed to predict the effect of missense changes on protein structure and function (PolyPhen-2) suggests that this variant is likely to be disruptive. In summary, the available evidence is currently insufficient to determine the role of this variant in disease. Therefore, it has been classified as a Variant of Uncertain Significance.